The following is an entry in ClinVar:

ClinVar aggregate classification (germline): Uncertain significance (1 of 4 stars; one submission).

Conditions:
Mowat-Wilson syndrome (MOWS). Also called: Classic Mowat-Wilson Syndrome. Identifiers: Orphanet 2152, MedGen C1856113, MONDO:0009341, OMIM 235730.

Submission:

Labcorp Genetics (formerly Invitae), Labcorp
Classification: Uncertain significance for Mowat-Wilson syndrome. Last evaluated: 2021-02-24. Review status: criteria provided, single submitter. Criteria: Invitae Variant Classification Sherloc (09022015). Collection method: clinical testing. Allele origin: germline.
Comment: This sequence change replaces lysine with methionine at codon 866 of the ZEB2 protein (p.Lys866Met). The lysine residue is highly conserved and there is a moderate physicochemical difference between lysine and methionine. This variant is not present in population databases (ExAC no frequency). This variant has not been reported in the literature in individuals with ZEB2-related conditions. Algorithms developed to predict the effect of missense changes on protein structure and function are either unavailable or do not agree on the potential impact of this missense change (SIFT: "Deleterious"; PolyPhen-2: "Possibly Damaging"; Align-GVGD: "Class C0"). In summary, the available evidence is currently insufficient to determine the role of this variant in disease. Therefore, it has been classified as a Variant of Uncertain Significance.

NM_014795.4(ZEB2):c.2597A>T (p.Lys866Met)

Gene: ZEB2 (zinc finger E-box binding homeobox 2; minus strand). Cytogenetic location: 2q22.3.
Variant type: single nucleotide variant.
Coding change: c.2597A>T on transcript NM_014795.4 (MANE Select); coding-DNA position 2597, A replaced by T.
Protein change: p.Lys866Met; replaces lysine 866 with methionine.
Molecular consequence: missense variant.
Genome position (GRCh38, 1-based): chr2:144,398,590, T>A on the plus strand (A>T on the coding strand, the complement: ZEB2 is on the minus strand). VCF-style: chr2-144398590-T-A. GRCh37 (hg19) VCF-style: chr2-145156157-T-A.
Other names: c.2525A>T, p.Lys842Met (NM_001171653.2); short protein forms K842M, K866M.
Identifiers: ClinVar variation 1513193 (VCV001513193.8), dbSNP rs2149876496, ClinGen allele CA348707826.